The following is an entry in ClinVar:

ClinVar aggregate classification (germline): Uncertain significance (1 of 4 stars; one submission).

gnomAD v4.1: 12 of 1,613,374 alleles (0.00074%); highest among the groups gnomAD compares: Non-Finnish European, 0.001%; no homozygotes.

Submission:

Labcorp Genetics (formerly Invitae), Labcorp
Classification: Uncertain significance. Last evaluated: 2026-01-12. Review status: criteria provided, single submitter. Criteria: Invitae Variant Classification Sherloc (09022015). Collection method: clinical testing. Allele origin: germline.
Comment: This sequence change replaces aspartic acid, which is acidic and polar, with glycine, which is neutral and non-polar, at codon 143 of the DUOX2 protein (p.Asp143Gly). This variant is present in population databases (no rsID available, gnomAD 0.03%). This variant has not been reported in the literature in individuals affected with DUOX2-related conditions. Invitae Evidence Modeling of protein sequence and biophysical properties (such as structural, functional, and spatial information, amino acid conservation, physicochemical variation, residue mobility, and thermodynamic stability) indicates that this missense variant is not expected to disrupt DUOX2 protein function with a negative predictive value of 80%. In summary, the available evidence is currently insufficient to determine the role of this variant in disease. Therefore, it has been classified as a Variant of Uncertain Significance.

NM_001363711.2(DUOX2):c.428A>G (p.Asp143Gly)

Gene: DUOX2 (dual oxidase 2; minus strand). Cytogenetic location: 15q21.1.
Variant type: single nucleotide variant.
Coding change: c.428A>G on transcript NM_001363711.2 (MANE Select); coding-DNA position 428, A replaced by G.
Protein change: p.Asp143Gly; replaces aspartic acid 143 with glycine.
Molecular consequence: missense variant.
Genome position (GRCh38, 1-based): chr15:45,111,853, T>C on the plus strand (A>G on the coding strand, the complement: DUOX2 is on the minus strand). VCF-style: chr15-45111853-T-C. GRCh37 (hg19) VCF-style: chr15-45404051-T-C.
Other names: c.428A>G, p.Asp143Gly (NM_014080.5); short protein forms D143G.
Identifiers: ClinVar variation 4742551 (VCV004742551.1).
Genomic context (GRCh38, chr15:45,111,853, plus strand): 5'-CGTCCGGTCTCGGGGTCCCAGCGGCTCCTCTGGAAGGGCAGCACCACGTCCCCGCGCTGG[T>C]CGGGGTCGAACACGGGGTCTCCAGGTGGGATGCGGATGTTGAGGAACTCGGCGGGGCAAC-3'
Protein context (NP_001350640.1, residues 133-153): IPPGDPVFDP[Asp143Gly]QRGDVVLPFQ